The following is an entry in ClinVar:

ClinVar aggregate classification (germline): Conflicting classifications of pathogenicity. Review status: criteria provided, conflicting classifications (1 of 4 stars). 14 submissions from 14 submitters: Uncertain significance (2); Benign (1); Likely benign (10). 1 of the submissions does not count toward it. Last evaluated 2026-01-07.

Conditions:
STK11-related disorder. Also called: STK11-related condition.
Peutz-Jeghers syndrome (PJS). Also called: Peutz-Jeghers polyposis; Periorificial lentiginosis syndrome; POLYPOSIS, HAMARTOMATOUS INTESTINAL; POLYPS-AND-SPOTS SYNDROME. Identifiers: Orphanet 2869, MedGen C0031269, MeSH D010580, MONDO:0008280, OMIM 175200.
Familial pancreatic carcinoma. Identifiers: Orphanet 1333, MedGen C2931038, MONDO:0015278, OMIM 260350.
Melanoma, cutaneous malignant, susceptibility to, 1 (CMM1). Also called: DYSPLASTIC NEVUS SYNDROME, HEREDITARY; FAMILIAL ATYPICAL MOLE-MALIGNANT MELANOMA SYNDROME; MELANOMA, MALIGNANT; B-K MOLE SYNDROME. Identifiers: Orphanet 618, MedGen C1835047, MONDO:0007963, OMIM 155600.
Germ cell tumor of testis (TGCT). Also called: Testicular germ cell tumor; GERM CELL TUMOR, SOMATIC. Identifiers: Orphanet 363504, MedGen C1336708, MONDO:0010108, OMIM 273300.
Hereditary cancer-predisposing syndrome. Also called: Tumor predisposition; Neoplastic Syndromes, Hereditary; Hereditary Cancer Syndrome; Hereditary neoplastic syndrome. Identifiers: Orphanet 140162, MedGen C0027672, MeSH D009386, MONDO:0015356.

Allele frequency attached by ClinVar (database versions not stated): gnomAD exomes 0.00001 and 0.00002; ExAC 0.00002; TOPMed 0.00003.
gnomAD v4.1: 31 of 1,608,846 alleles (0.0019%); highest among the groups gnomAD compares: African/African-American, 0.004%; no homozygotes.

Submissions (14):

Labcorp Genetics (formerly Invitae), Labcorp
Classification: Likely benign for Peutz-Jeghers syndrome. Last evaluated: 2026-01-07. Review status: criteria provided, single submitter. Criteria: Invitae Variant Classification Sherloc (09022015). Collection method: clinical testing. Allele origin: germline.

Myriad Genetics, Inc.
Classification: Benign for Peutz-Jeghers syndrome. Last evaluated: 2025-03-27. Review status: criteria provided, single submitter. Criteria: Myriad Autosomal Dominant, Autosomal Recessive and X-Linked Classification Criteria (2023). Collection method: clinical testing. Allele origin: unknown.
Comment: This variant is considered benign. This variant is a silent/synonymous amino acid change and it is not expected to impact splicing.

Department of Pathology and Laboratory Medicine, Sinai Health System
Classification: Likely benign for Melanoma, cutaneous malignant, susceptibility to, 1; Peutz-Jeghers syndrome; Familial pancreatic carcinoma; Germ cell tumor of testis. Last evaluated: 2023-11-15. Review status: criteria provided, single submitter. Criteria: ACMG Guidelines, 2015. Collection method: clinical testing. Allele origin: germline. Affected: no.

All of Us Research Program, National Institutes of Health
Classification: Likely benign for Peutz-Jeghers syndrome. Last evaluated: 2023-08-28. Review status: criteria provided, single submitter. Criteria: ACMG Guidelines, 2015. Collection method: clinical testing. Allele origin: germline. Inheritance: Autosomal dominant inheritance. Observed: 2 variant alleles, 2 heterozygotes.
Comment: This study involves interpretation of variants in research participants for the purpose of population health screening. Participant phenotype was not available at the time of variant classification. Additional details can be found in publication PMID: 35346344, PMCID: PMC8962531

Women's Health and Genetics/Laboratory Corporation of America, LabCorp
Classification: Likely benign. Last evaluated: 2022-05-23. Review status: criteria provided, single submitter. Criteria: LabCorp Variant Classification Summary - May 2015. Collection method: clinical testing. Allele origin: germline.
Comment: Variant summary: STK11 c.846C>G alters a conserved nucleotide resulting in a synonymous change. The variant allele was found at a frequency of 1.2e-05 in 240400 control chromosomes. The available data on variant occurrences in the general population are insufficient to allow any conclusion about variant significance. To our knowledge, no occurrence of c.846C>G in individuals affected with Peutz-Jeghers Syndrome and no experimental evidence demonstrating its impact on protein function have been reported. Seven clinical diagnostic laboratories have submitted clinical-significance assessments for this variant to ClinVar after 2014 without evidence for independent evaluation. Multiple laboratories reported the variant with conflicting assessments. Based on the evidence outlined above, the variant was classified as likely benign.

Sema4
Classification: Likely benign for Hereditary cancer-predisposing syndrome. Last evaluated: 2022-02-15. Review status: criteria provided, single submitter. Criteria: Sema4 Curation Guidelines. Collection method: curation. Allele origin: germline.

Genome-Nilou Lab
Classification: Uncertain significance for Peutz-Jeghers syndrome. Last evaluated: 2021-07-15. Review status: criteria provided, single submitter. Criteria: ACMG Guidelines, 2015. Collection method: clinical testing. Allele origin: germline. Affected: no.

CeGaT Center for Human Genetics Tuebingen
Classification: Likely benign. Last evaluated: 2020-06-01. Review status: criteria provided, single submitter. Criteria: CeGaT Center For Human Genetics Tuebingen Variant Classification Criteria Version 2. Collection method: clinical testing. Allele origin: germline. Affected: yes. Observed: 1 variant allele.

Quest Diagnostics Nichols Institute San Juan Capistrano
Classification: Likely benign. Last evaluated: 2020-03-24. Review status: criteria provided, single submitter. Criteria: Quest Diagnostics criteria. Collection method: clinical testing. Allele origin: unknown.

GeneDx
Classification: Likely benign. Last evaluated: 2019-06-28. Review status: criteria provided, single submitter. Criteria: GeneDx Variant Classification Process June 2021. Collection method: clinical testing. Allele origin: germline. Affected: yes.

Illumina Laboratory Services, Illumina
Classification: Uncertain significance for Peutz-Jeghers syndrome. Last evaluated: 2018-01-13. Review status: criteria provided, single submitter. Criteria: ICSL Variant Classification Criteria 13 December 2019. Collection method: clinical testing. Allele origin: germline.

Color Diagnostics, LLC DBA Color Health
Classification: Likely benign for Hereditary cancer-predisposing syndrome. Last evaluated: 2017-02-21. Review status: criteria provided, single submitter. Criteria: ACMG Guidelines, 2015. Collection method: clinical testing. Allele origin: germline.

Ambry Genetics
Classification: Likely benign for Hereditary cancer-predisposing syndrome. Last evaluated: 2014-12-12. Review status: criteria provided, single submitter. Criteria: Ambry Variant Classification Scheme 2023. Collection method: clinical testing. Allele origin: germline.

PreventionGenetics, part of Exact Sciences
Classification: Likely benign for STK11-related condition. Last evaluated: 2023-02-28. Review status: no assertion criteria provided. Collection method: clinical testing. Allele origin: germline. Not counted in ClinVar's aggregate classification.
Comment: This variant is classified as likely benign based on ACMG/AMP sequence variant interpretation guidelines (Richards et al. 2015 PMID: 25741868, with internal and published modifications).

NM_000455.5(STK11):c.846C>G (p.Leu282=)

Gene: STK11 (serine/threonine kinase 11; plus strand). Cytogenetic location: 19p13.3.
Variant type: single nucleotide variant.
Coding change: c.846C>G on transcript NM_000455.5 (MANE Select); coding-DNA position 846, C replaced by G.
Protein change: p.Leu282=; no amino-acid change (leucine 282 retained).
Molecular consequence: synonymous variant.
Genome position (GRCh38, 1-based): chr19:1,221,324, C>G. VCF-style: chr19-1221324-C-G. GRCh37 (hg19) VCF-style: chr19-1221323-C-G.
Identifiers: ClinVar variation 183818 (VCV000183818.67), dbSNP rs777872290, ClinGen allele CA023312.